The following is an entry in ClinVar:

NM_207361.6(FREM2):c.1238A>T (p.Glu413Val)

Gene: FREM2 (FRAS1 related extracellular matrix 2; plus strand). Cytogenetic location: 13q13.3.
Variant type: single nucleotide variant.
Coding change: c.1238A>T on transcript NM_207361.6 (MANE Select); coding-DNA position 1238, A replaced by T.
Protein change: p.Glu413Val; replaces glutamic acid 413 with valine.
Molecular consequence: missense variant.
Genome position (GRCh38, 1-based): chr13:38,688,582, A>T. VCF-style: chr13-38688582-A-T. GRCh37 (hg19) VCF-style: chr13-39262719-A-T.
Other names: c.1238A>T (NM_207361.4); short protein forms E413V.
Identifiers: ClinVar variation 1434464 (VCV001434464.4), dbSNP rs2138064285, ClinGen allele CA387885268.

ClinVar aggregate classification (germline): Uncertain significance. Review status: criteria provided, multiple submitters, no conflicts (2 of 4 stars). 2 submissions from 2 submitters: Uncertain significance (2). Last evaluated 2025-12-08.

Conditions:
Inborn genetic diseases. Identifiers: MedGen C0950123, MeSH D030342.

Allele frequency attached by ClinVar (database versions not stated): gnomAD exomes below 0.00001.
gnomAD v4.1: 1 of 1,613,564 alleles (0.000062%); highest among the groups gnomAD compares: Non-Finnish European, 0.000085%; no homozygotes.

Submissions (2):

Ambry Genetics
Classification: Uncertain significance for Inborn genetic diseases. Last evaluated: 2025-12-08. Review status: criteria provided, single submitter. Criteria: Ambry Variant Classification Scheme 2023. Collection method: clinical testing. Allele origin: germline.

Labcorp Genetics (formerly Invitae), Labcorp
Classification: Uncertain significance. Last evaluated: 2021-08-02. Review status: criteria provided, single submitter. Criteria: Invitae Variant Classification Sherloc (09022015). Collection method: clinical testing. Allele origin: germline.
Comment: This sequence change replaces glutamic acid with valine at codon 413 of the FREM2 protein (p.Glu413Val). The glutamic acid residue is highly conserved and there is a moderate physicochemical difference between glutamic acid and valine. This variant is not present in population databases (ExAC no frequency). This variant has not been reported in the literature in individuals affected with FREM2-related conditions. Algorithms developed to predict the effect of missense changes on protein structure and function are either unavailable or do not agree on the potential impact of this missense change (SIFT: "Deleterious"; PolyPhen-2: "Benign"; Align-GVGD: "Class C0"). In summary, the available evidence is currently insufficient to determine the role of this variant in disease. Therefore, it has been classified as a Variant of Uncertain Significance.